The following is an entry in ClinVar:

ClinVar aggregate classification (germline): Uncertain significance (1 of 4 stars; one submission).

gnomAD v4.1: 1 of 1,614,106 alleles (0.000062%); no homozygotes.

Submission:

Labcorp Genetics (formerly Invitae), Labcorp
Classification: Uncertain significance. Last evaluated: 2025-06-11. Review status: criteria provided, single submitter. Criteria: Invitae Variant Classification Sherloc (09022015). Collection method: clinical testing. Allele origin: germline.
Comment: This sequence change replaces leucine, which is neutral and non-polar, with glutamine, which is neutral and polar, at codon 552 of the FBLN1 protein (p.Leu552Gln). This variant is not present in population databases (gnomAD no frequency). This variant has not been reported in the literature in individuals affected with FBLN1-related conditions. An algorithm developed to predict the effect of missense changes on protein structure and function (PolyPhen-2) suggests that this variant is likely to be disruptive. In summary, the available evidence is currently insufficient to determine the role of this variant in disease. Therefore, it has been classified as a Variant of Uncertain Significance.

NM_006486.3(FBLN1):c.1655T>A (p.Leu552Gln)

Gene: FBLN1 (fibulin 1; plus strand). Cytogenetic location: 22q13.31.
Variant type: single nucleotide variant.
Coding change: c.1655T>A on transcript NM_006486.3 (MANE Select); coding-DNA position 1655, T replaced by A.
Protein change: p.Leu552Gln; replaces leucine 552 with glutamine.
Molecular consequence: missense variant.
Genome position (GRCh38, 1-based): chr22:45,550,573, T>A. VCF-style: chr22-45550573-T-A. GRCh37 (hg19) VCF-style: chr22-45946453-T-A.
Other names: c.1655T>A, p.Leu552Gln (NM_001996.4, NM_006485.4, NM_006487.3); short protein forms L552Q.
Identifiers: ClinVar variation 4811570 (VCV004811570.1).